The following is an entry in ClinVar:

ClinVar aggregate classification (germline): Uncertain significance (1 of 4 stars; one submission).

Conditions:
Desmin-related myofibrillar myopathy (MFM1). Also called: Desminopathy; MYOFIBRILLAR MYOPATHY WITH ARRHYTHMOGENIC RIGHT VENTRICULAR CARDIOMYOPATHY; DESMIN-RELATED MYOPATHY WITH ARRHYTHMOGENIC RIGHT VENTRICULAR CARDIOMYOPATHY; Myofibrillar myopathy 1; Desmin related myopathy (former name); Desmin storage myopathy (former name). Identifiers: Orphanet 363543, Orphanet 98909, MedGen C1832370, MONDO:0011076, OMIM 601419.

Submission:

Labcorp Genetics (formerly Invitae), Labcorp
Classification: Uncertain significance for Desmin-related myofibrillar myopathy. Last evaluated: 2022-08-23. Review status: criteria provided, single submitter. Criteria: Invitae Variant Classification Sherloc (09022015). Collection method: clinical testing. Allele origin: germline.
Comment: In summary, the available evidence is currently insufficient to determine the role of this variant in disease. Therefore, it has been classified as a Variant of Uncertain Significance. Advanced modeling of protein sequence and biophysical properties (such as structural, functional, and spatial information, amino acid conservation, physicochemical variation, residue mobility, and thermodynamic stability) performed at Invitae indicates that this missense variant is expected to disrupt DES protein function. This variant has not been reported in the literature in individuals affected with DES-related conditions. This variant is not present in population databases (gnomAD no frequency). This sequence change replaces histidine, which is basic and polar, with aspartic acid, which is acidic and polar, at codon 376 of the DES protein (p.His376Asp).

NM_001927.4(DES):c.1126C>G (p.His376Asp)

Gene: DES (desmin; plus strand). Cytogenetic location: 2q35.
Variant type: single nucleotide variant.
Coding change: c.1126C>G on transcript NM_001927.4 (MANE Select); coding-DNA position 1126, C replaced by G.
Protein change: p.His376Asp; replaces histidine 376 with aspartic acid.
Molecular consequence: missense variant. On other transcripts: intron variant (1).
Genome position (GRCh38, 1-based): chr2:219,421,442, C>G. VCF-style: chr2-219421442-C-G. GRCh37 (hg19) VCF-style: chr2-220286164-C-G.
Other names: c.1123C>G, p.His375Asp (NM_001382708.1); c.1057C>G, p.His353Asp (NM_001382710.1); c.1105C>G, p.His369Asp (NM_001382711.1); c.1126C>G, p.His376Asp (NM_001382712.1); c.856C>G, p.His286Asp (NM_001382713.1); c.736-42C>G (NM_001382709.1); short protein forms H286D, H353D, H375D, H376D, H369D.
Identifiers: ClinVar variation 2148672 (VCV002148672.4), dbSNP rs57404866, ClinGen allele CA350694403.